The following is an entry in ClinVar:

ClinVar aggregate classification (germline): Likely benign (1 of 4 stars; one submission).

Allele frequency attached by ClinVar (database versions not stated): TOPMed below 0.00001.

Submission:

GeneDx
Classification: Likely benign. Last evaluated: 2015-11-12. Review status: criteria provided, single submitter. Criteria: GeneDx Variant Classification (06012015). Collection method: clinical testing. Allele origin: germline. Affected: yes.
Comment: This variant is considered likely benign or benign based on one or more of the following criteria: it is a conservative change, it occurs at a poorly conserved position in the protein, it is predicted to be benign by multiple in silico algorithms, and/or has population frequency not consistent with disease.

NM_021625.5(TRPV4):c.712+19C>A

Gene: TRPV4 (transient receptor potential cation channel subfamily V member 4; minus strand). Cytogenetic location: 12q24.11.
Variant type: single nucleotide variant.
Coding change: c.712+19C>A on transcript NM_021625.5 (MANE Select); 19 bases into the intron after coding-DNA position 712, C replaced by A.
Molecular consequence: intron variant.
Genome position (GRCh38, 1-based): chr12:109,802,972, G>T on the plus strand (C>A on the coding strand, the complement: TRPV4 is on the minus strand). VCF-style: chr12-109802972-G-T. GRCh37 (hg19) VCF-style: chr12-110240777-G-T.
Other names: c.712+19C>A (NM_001177433.1, NM_001177428.1, NM_147204.2); c.610+19C>A (NM_001177431.1).
Identifiers: ClinVar variation 381316 (VCV000381316.1), dbSNP rs1057521014, ClinGen allele CA16606465.